The following is an entry in ClinVar:

NM_005732.4(RAD50):c.551+1G>T

Gene: RAD50 (RAD50 double strand break repair protein; plus strand). Cytogenetic location: 5q31.1.
Variant type: single nucleotide variant.
Coding change: c.551+1G>T on transcript NM_005732.4 (MANE Select); the canonical splice donor site of the intron after coding-DNA position 551, G replaced by T.
Molecular consequence: splice donor variant.
Genome position (GRCh38, 1-based): chr5:132,579,503, G>T. VCF-style: chr5-132579503-G-T. GRCh37 (hg19) VCF-style: chr5-131915195-G-T.
Identifiers: ClinVar variation 4731339 (VCV004731339.1), dbSNP rs2149837822.

ClinVar aggregate classification (germline): Uncertain significance (1 of 4 stars; one submission).

Conditions:
Hereditary cancer-predisposing syndrome. Also called: Hereditary neoplastic syndrome; Neoplastic Syndromes, Hereditary; Hereditary Cancer Syndrome; Tumor predisposition. Identifiers: Orphanet 140162, MedGen C0027672, MeSH D009386, MONDO:0015356.

Submission:

Labcorp Genetics (formerly Invitae), Labcorp
Classification: Uncertain significance for Hereditary cancer-predisposing syndrome. Last evaluated: 2025-11-19. Review status: criteria provided, single submitter. Criteria: Invitae Variant Classification Sherloc (09022015). Collection method: clinical testing. Allele origin: germline.
Comment: This sequence change affects a donor splice site in intron 4 of the RAD50 gene. It is expected to disrupt RNA splicing. Variants that disrupt the donor or acceptor splice site typically lead to a loss of protein function (PMID: 16199547), and loss-of-function variants in RAD50 are known to be pathogenic (PMID: 19409520). This variant is not present in population databases (gnomAD no frequency). This variant has not been reported in the literature in individuals affected with RAD50-related conditions. Studies have shown that disruption of this splice site is associated with altered splicing resulting in multiple RNA products (internal data). In summary, the available evidence is currently insufficient to determine the role of this variant in disease. Therefore, it has been classified as a Variant of Uncertain Significance.

Literature cited by the submitters: PubMed 16199547; PubMed 19409520.